The following is an entry in ClinVar:

NM_003872.3(NRP2):c.1415C>T (p.Ser472Leu)

Gene: NRP2 (neuropilin 2; plus strand). Cytogenetic location: 2q33.3.
Variant type: single nucleotide variant.
Coding change: c.1415C>T on transcript NM_003872.3 (MANE Select); coding-DNA position 1415, C replaced by T.
Protein change: p.Ser472Leu; replaces serine 472 with leucine.
Molecular consequence: missense variant.
Genome position (GRCh38, 1-based): chr2:205,743,326, C>T. VCF-style: chr2-205743326-C-T. GRCh37 (hg19) VCF-style: chr2-206608050-C-T.
Other names: c.1415C>T, p.Ser472Leu (NM_018534.4, NM_201264.2, NM_201266.2 and 2 more transcripts); short protein forms S472L.
Identifiers: ClinVar variation 4979183 (VCV004979183.1).

ClinVar aggregate classification (germline): Uncertain significance (1 of 4 stars; one submission).

Conditions:
NRP2-related disorder. Also called: NRP2-related condition.

gnomAD v4.1: 16 of 1,614,188 alleles (0.00099%); highest among the groups gnomAD compares: Admixed American, 0.01%; no homozygotes.

Submission:

PreventionGenetics, part of Exact Sciences
Classification: Uncertain significance for NRP2-related condition. Last evaluated: 2026-06-27. Review status: criteria provided, single submitter. Criteria: ACMG Guidelines, 2015. Collection method: clinical testing. Allele origin: germline.
Comment: The NRP2 c.1415C>T variant is predicted to result in the amino acid substitution p.Ser472Leu. To our knowledge, this variant has not been reported in the literature. This variant is reported in 0.015% of alleles in individuals of East Asian descent in gnomAD. At this time, the clinical significance of this variant is uncertain due to the absence of conclusive functional and genetic evidence.